The following is an entry in ClinVar:

ClinVar aggregate classification (germline): Conflicting classifications of pathogenicity. Review status: criteria provided, conflicting classifications (1 of 4 stars). 2 submissions from 2 submitters: Uncertain significance (1); Likely benign (1). Last evaluated 2025-10-11.

Conditions:
Fanconi anemia (FA). Also called: Fanconi's anemia. Identifiers: Orphanet 84, MedGen C0015625, MeSH D005199, MONDO:0019391.

Allele frequency attached by ClinVar (database versions not stated): gnomAD exomes below 0.00001; TOPMed 0.00001.
gnomAD v4.1: 1 of 1,613,884 alleles (0.000062%); highest among the groups gnomAD compares: Non-Finnish European, 0.000085%; no homozygotes.

Submissions (2):

Labcorp Genetics (formerly Invitae), Labcorp
Classification: Likely benign for Fanconi anemia. Last evaluated: 2025-10-11. Review status: criteria provided, single submitter. Criteria: Invitae Variant Classification Sherloc (09022015). Collection method: clinical testing. Allele origin: germline.

Sema4
Classification: Uncertain significance for Fanconi anemia. Last evaluated: 2022-03-08. Review status: criteria provided, single submitter. Criteria: Sema4 Curation Guidelines. Collection method: curation. Allele origin: germline.
Comment: The FANCI c.3059-11C>T variant has not been reported in the literature to our knowledge. This variant is not reported in the population database Genome Aggregation Database (PMID: 32461654). This variant has not been reported in ClinVar. In silico tools suggest the variant may strengthen the cryptic splice site, however these predictions have not been confirmed by published transcriptional studies. The evidence is insufficient to meet ACMG/AMP criteria for classifying the variant as benign or pathogenic. Thus, the clinical significance of this variant is currently uncertain.

NM_001113378.2(FANCI):c.3059-11C>T

Gene: FANCI (FA complementation group I; plus strand). Cytogenetic location: 15q26.1.
Variant type: single nucleotide variant.
Coding change: c.3059-11C>T on transcript NM_001113378.2 (MANE Select); 11 bases into the intron before coding-DNA position 3059, C replaced by T.
Molecular consequence: intron variant.
Genome position (GRCh38, 1-based): chr15:89,305,104, C>T. VCF-style: chr15-89305104-C-T. GRCh37 (hg19) VCF-style: chr15-89848335-C-T.
Other names: c.2879-11C>T (NM_018193.3); c.3059-11C>T (NM_001376911.1); c.2780-11C>T (NM_001376910.1).
Identifiers: ClinVar variation 1692560 (VCV001692560.4), dbSNP rs2054667046, ClinGen allele CA2194551311.